The following is an entry in ClinVar:

NR_033294.2(SNORD118):n.12G>T

Genes: SNORD118 (small nucleolar RNA, C/D box 118; minus strand), TMEM107 (transmembrane protein 107; minus strand). Cytogenetic location: 17p13.1.
Variant type: single nucleotide variant.
Molecular consequence: non-coding transcript variant (on NR_033294.2). On other transcripts: 3 prime UTR variant (5).
Genome position: GRCh38 VCF-style: chr17-8173577-C-A. GRCh37 (hg19) VCF-style: chr17-8076895-C-A.
Other names: c.*626G>T (NM_001351278.2, NM_001351279.2, NM_001351280.2 and 2 more transcripts).
Identifiers: ClinVar variation 3701330 (VCV003701330.2).
Genomic context (GRCh38, chr17:8,173,577, plus strand): 5'-TGCATCTCCAATCATCATGTTCTAATCTGCCCTCCGGAGGAGGAACAGGTAAGGATTATC[C>A]CACCTGACGATACAGACAAACAGCCGACATTCTGCACTCAGTGAAAAAGATTCCGTTACA-3'

ClinVar aggregate classification (germline): Uncertain significance (1 of 4 stars; one submission).

Submission:

Labcorp Genetics (formerly Invitae), Labcorp
Classification: Uncertain significance. Last evaluated: 2024-07-08. Review status: criteria provided, single submitter. Criteria: Invitae Variant Classification Sherloc (09022015). Collection method: clinical testing. Allele origin: germline.
Comment: This variant occurs in the SNORD118 gene, which encodes an RNA molecule that does not result in a protein product. This variant is not present in population databases (gnomAD no frequency). This variant has not been reported in the literature in individuals affected with SNORD118-related conditions. Experimental studies and prediction algorithms are not available or were not evaluated, and the functional significance of this variant is currently unknown. In summary, the available evidence is currently insufficient to determine the role of this variant in disease. Therefore, it has been classified as a Variant of Uncertain Significance.